The following is an entry in ClinVar:

NM_000494.4(COL17A1):c.2237del (p.Gly746fs)

Genes: COL17A1 (collagen type XVII alpha 1 chain; minus strand), MIR936 (microRNA 936; minus strand). Cytogenetic location: 10q25.1.
Variant type: Deletion.
Coding change: c.2237del on transcript NM_000494.4 (MANE Select); coding-DNA position 2237, one base deleted (G; older notation c.2237delG).
Protein change: p.Gly746fs; shifts the reading frame from glycine 746.
Molecular consequence: frameshift variant. On other transcripts: non-coding transcript variant (1).
Genome position (GRCh38, 1-based): chr10:104,048,095, C deleted on the plus strand (G on the coding strand, the reverse complement: COL17A1 is on the minus strand); the first of 2 consecutive C bases (chr10:104,048,095-104,048,096); deleting either gives the same sequence. VCF-style (leftmost placement, unchanged base first): chr10-104048094-GC-G. GRCh37 (hg19) VCF-style: chr10-105807852-GC-G.
Other names: short protein forms G746fs.
Identifiers: ClinVar variation 4996906 (VCV004996906.1).

ClinVar aggregate classification (germline): Pathogenic (1 of 4 stars; one submission).

Conditions:
COL17A1-related disorder. Also called: COL17A1-related condition.

Submission:

PreventionGenetics, part of Exact Sciences
Classification: Pathogenic for COL17A1-related condition. Last evaluated: 2025-11-19. Review status: criteria provided, single submitter. Criteria: ACMG Guidelines, 2015. Collection method: clinical testing. Allele origin: germline.
Comment: The COL17A1 c.2237delG variant is predicted to result in a frameshift and premature protein termination (p.Gly746Alafs*53). This variant, also described as c.2342delG in the literature, has been reported in the homozygous or compound heterozygous state in individuals with junctional epidermolysis bullosa (see, for example, Pasmooij et al. 2007. PubMed ID: 17263807; Hoffmann et al. 2019. PubMed ID: 30673110; Condrat et al. 2019. PubMed ID: 30761300). This variant is reported in 0.0018% of alleles in individuals of European (non-Finnish) descent in gnomAD. Frameshift variants in COL17A1 are expected to be pathogenic. This variant is interpreted as pathogenic.